The following is an entry in ClinVar:

NM_000222.3(KIT):c.394A>G (p.Thr132Ala)

Gene: KIT (KIT proto-oncogene, receptor tyrosine kinase; plus strand). Cytogenetic location: 4q12.
Variant type: single nucleotide variant.
Coding change: c.394A>G on transcript NM_000222.3 (MANE Select); coding-DNA position 394, A replaced by G.
Protein change: p.Thr132Ala; replaces threonine 132 with alanine.
Molecular consequence: missense variant.
Genome position (GRCh38, 1-based): chr4:54,698,340, A>G. VCF-style: chr4-54698340-A-G. GRCh37 (hg19) VCF-style: chr4-55564506-A-G.
Other names: c.394A>G, p.Thr132Ala (NM_001093772.2, NM_001385284.1, NM_001385285.1 and 4 more transcripts); c.394A>G (NM_000222.2); short protein forms T132A.
Identifiers: ClinVar variation 1053188 (VCV001053188.18), dbSNP rs756128407, ClinGen allele CA2923236.
Genomic context (GRCh38, chr4:54,698,340, plus strand): 5'-ATAGATCCTGCCAAGCTTTTCCTTGTTGACCGCTCCTTGTATGGGAAAGAAGACAACGAC[A>G]CGCTGGTCCGCTGTCCTCTCACAGACCCAGAAGTGACCAATTATTCCCTCAAGGGGTGCC-3'
Protein context (NP_000213.1, residues 122-142): RSLYGKEDND[Thr132Ala]LVRCPLTDPE

ClinVar aggregate classification (germline): Uncertain significance. Review status: criteria provided, multiple submitters, no conflicts (2 of 4 stars). 2 submissions from 2 submitters: Uncertain significance (2). Last evaluated 2025-11-10.

Conditions:
Hereditary cancer-predisposing syndrome. Also called: Tumor predisposition; Neoplastic Syndromes, Hereditary; Hereditary neoplastic syndrome; Hereditary Cancer Syndrome. Identifiers: Orphanet 140162, MedGen C0027672, MeSH D009386, MONDO:0015356.
Gastrointestinal stromal tumor. Also called: Gastrointestinal stromal tumor, somatic; Gastrointestinal stroma tumor. Identifiers: Orphanet 44890, MedGen C0238198, MeSH D046152, MONDO:0011719, OMIM 606764, HP:0100723.

Allele frequency attached by ClinVar (database versions not stated): gnomAD exomes below 0.00001; TOPMed below 0.00001; ExAC 0.00001.
gnomAD v4.1: 1 of 1,614,080 alleles (0.000062%); highest among the groups gnomAD compares: East Asian, 0.0022%; no homozygotes.

Submissions (2):

Labcorp Genetics (formerly Invitae), Labcorp
Classification: Uncertain significance for Gastrointestinal stromal tumor. Last evaluated: 2025-11-10. Review status: criteria provided, single submitter. Criteria: Invitae Variant Classification Sherloc (09022015). Collection method: clinical testing. Allele origin: germline.
Comment: This sequence change replaces threonine, which is neutral and polar, with alanine, which is neutral and non-polar, at codon 132 of the KIT protein (p.Thr132Ala). This variant is present in population databases (rs756128407, gnomAD 0.006%). This variant has not been reported in the literature in individuals affected with KIT-related conditions. ClinVar contains an entry for this variant (Variation ID: 1053188). An algorithm developed to predict the effect of missense changes on protein structure and function outputs the following: PolyPhen-2: "Benign". The alanine amino acid residue is found in multiple mammalian species, which suggests that this missense change does not adversely affect protein function. In summary, the available evidence is currently insufficient to determine the role of this variant in disease. Therefore, it has been classified as a Variant of Uncertain Significance.

Ambry Genetics
Classification: Uncertain significance for Hereditary cancer-predisposing syndrome. Last evaluated: 2025-01-13. Review status: criteria provided, single submitter. Criteria: Ambry Variant Classification Scheme 2023. Collection method: clinical testing. Allele origin: germline.
Comment: The p.T132A variant (also known as c.394A>G), located in coding exon 3 of the KIT gene, results from an A to G substitution at nucleotide position 394. The threonine at codon 132 is replaced by alanine, an amino acid with similar properties. This amino acid position is conserved. In addition, this alteration is predicted to be tolerated by in silico analysis. Since supporting evidence is limited at this time, the clinical significance of this alteration remains unclear.